The following is an entry in ClinVar:

ClinVar aggregate classification (germline): Likely benign. Review status: criteria provided, multiple submitters, no conflicts (2 of 4 stars). 2 submissions from 2 submitters: Likely benign (2). Last evaluated 2024-11-21.

Conditions:
Glycogen storage disease, type II (IOPD). Also called: CARDIOMEGALIA GLYCOGENICA DIFFUSA; ACID ALPHA-GLUCOSIDASE DEFICIENCY, INFANTILE-ONSET; GAA DEFICIENCY, INFANTILE-ONSET; ACID MALTASE DEFICIENCY, INFANTILE-ONSET; Glucosidase acid-1,4-alpha deficiency; Pompe Disease. Identifiers: Orphanet 365, MedGen C0017921, MONDO:0009290, OMIM 232300.

gnomAD v4.1: 11 of 1,584,264 alleles (0.00069%); highest among the groups gnomAD compares: Non-Finnish European, 0.00094%; no homozygotes.

Submissions (2):

Labcorp Genetics (formerly Invitae), Labcorp
Classification: Likely benign for Glycogen storage disease, type II. Last evaluated: 2024-11-21. Review status: criteria provided, single submitter. Criteria: Invitae Variant Classification Sherloc (09022015). Collection method: clinical testing. Allele origin: germline.

GeneDx
Classification: Likely benign. Last evaluated: 2018-02-19. Review status: criteria provided, single submitter. Criteria: GeneDx Variant Classification (06012015). Collection method: clinical testing. Allele origin: germline. Affected: yes.
Comment: This variant is considered likely benign or benign based on one or more of the following criteria: it is a conservative change, it occurs at a poorly conserved position in the protein, it is predicted to be benign by multiple in silico algorithms, and/or has population frequency not consistent with disease.

NM_000152.5(GAA):c.2041-17C>A

Gene: GAA (alpha glucosidase; plus strand). Cytogenetic location: 17q25.3.
Variant type: single nucleotide variant.
Coding change: c.2041-17C>A on transcript NM_000152.5 (MANE Select); 17 bases into the intron before coding-DNA position 2041, C replaced by A.
Molecular consequence: intron variant.
Genome position (GRCh38, 1-based): chr17:80,113,201, C>A. VCF-style: chr17-80113201-C-A. GRCh37 (hg19) VCF-style: chr17-78087000-C-A.
Other names: c.2041-17C>A (LRG_673t1, NM_001079803.3, NM_001079804.3).
Identifiers: ClinVar variation 515339 (VCV000515339.9), dbSNP rs746028622, ClinGen allele CA8815593.